The following is an entry in ClinVar:

ClinVar aggregate classification (germline): Uncertain significance (1 of 4 stars; one submission).

gnomAD v4.1: 3 of 1,613,940 alleles (0.00019%); highest among the groups gnomAD compares: Non-Finnish European, 0.00017%; no homozygotes.

Submission:

Labcorp Genetics (formerly Invitae), Labcorp
Classification: Uncertain significance. Last evaluated: 2024-05-28. Review status: criteria provided, single submitter. Criteria: Invitae Variant Classification Sherloc (09022015). Collection method: clinical testing. Allele origin: germline.
Comment: This sequence change replaces asparagine, which is neutral and polar, with serine, which is neutral and polar, at codon 1494 of the MYO7A protein (p.Asn1494Ser). This variant is present in population databases (rs765663475, gnomAD 0.0009%). This variant has not been reported in the literature in individuals affected with MYO7A-related conditions. Advanced modeling of protein sequence and biophysical properties (such as structural, functional, and spatial information, amino acid conservation, physicochemical variation, residue mobility, and thermodynamic stability) has been performed at Invitae for this missense variant, however the output from this modeling did not meet the statistical confidence thresholds required to predict the impact of this variant on MYO7A protein function. In summary, the available evidence is currently insufficient to determine the role of this variant in disease. Therefore, it has been classified as a Variant of Uncertain Significance.

NM_000260.4(MYO7A):c.4481A>G (p.Asn1494Ser)

Gene: MYO7A (myosin VIIA; plus strand). Cytogenetic location: 11q13.5.
Variant type: single nucleotide variant.
Coding change: c.4481A>G on transcript NM_000260.4 (MANE Select); coding-DNA position 4481, A replaced by G.
Protein change: p.Asn1494Ser; replaces asparagine 1494 with serine.
Molecular consequence: missense variant.
Genome position (GRCh38, 1-based): chr11:77,198,534, A>G. VCF-style: chr11-77198534-A-G. GRCh37 (hg19) VCF-style: chr11-76909579-A-G.
Other names: c.4481A>G, p.Asn1494Ser (NM_001127180.2); c.4448A>G, p.Asn1483Ser (NM_001369365.1); short protein forms N1483S, N1494S.
Identifiers: ClinVar variation 3675034 (VCV003675034.2).